The following is an entry in ClinVar:

NM_004183.4(BEST1):c.1067G>T (p.Arg356Leu)

Gene: BEST1 (bestrophin 1; plus strand). Cytogenetic location: 11q12.3.
Variant type: single nucleotide variant.
Coding change: c.1067G>T on transcript NM_004183.4 (MANE Select); coding-DNA position 1067, G replaced by T.
Protein change: p.Arg356Leu; replaces arginine 356 with leucine.
Molecular consequence: missense variant. On other transcripts: nonsense (1), non-coding transcript variant (1).
Genome position (GRCh38, 1-based): chr11:61,960,010, G>T. VCF-style: chr11-61960010-G-T. GRCh37 (hg19) VCF-style: chr11-61727482-G-T.
Other names: c.887G>T, p.Arg296Leu (NM_001139443.3, NM_001300787.2); c.806G>T, p.Arg269Leu (NM_001300786.2); c.749G>T, p.Arg250Leu (NM_001363591.3); c.1270G>T, p.Glu424Ter (NM_001363592.2); c.95G>T, p.Arg32Leu (NM_001363593.3); short protein forms E424*, R32L, R250L, R269L, R356L, R296L.
Identifiers: ClinVar variation 879188 (VCV000879188.11), dbSNP rs751707411, ClinGen allele CA6040978.

ClinVar aggregate classification (germline): Uncertain significance. Review status: criteria provided, multiple submitters, no conflicts (2 of 4 stars). 6 submissions from 4 submitters: Uncertain significance (6). Last evaluated 2025-09-27.

Conditions:
Vitelliform macular dystrophy 2. Also called: Best Vitelliform Macular Dystrophy (BVMD); MACULAR DEGENERATION, POLYMORPHIC VITELLINE; VITELLIFORM MACULAR DYSTROPHY, EARLY-ONSET; VITELLIFORM MACULAR DYSTROPHY, JUVENILE-ONSET; Best Macular Dystrophy; Best vitelliform macular dystrophy, multifocal. Identifiers: Orphanet 1243, MedGen C2745945, MONDO:0007931, OMIM 153700.
BEST1-related dominant retinopathy. Identifiers: MedGen CN375913, MONDO:0700238.
Retinitis pigmentosa (RP). Identifiers: Orphanet 791, MedGen C0035334, MeSH D012174, MONDO:0019200, OMIM 268000. Inheritance: Autosomal dominant, autosomal recessive and X linked inheritance.
Autosomal dominant vitreoretinochoroidopathy. Also called: VITREORETINOCHOROIDOPATHY, AUTOSOMAL DOMINANT, WITH NANOPHTHALMOS; Autosomal Dominant Vitreoretinochoroidopathy (ADVIRC); VITREORETINOCHOROIDOPATHY WITH MICROCORNEA, GLAUCOMA, AND CATARACT. Identifiers: Orphanet 263347, Orphanet 3086, MedGen C3888099, MONDO:0008662, OMIM 193220.

Allele frequency attached by ClinVar (database versions not stated): TOPMed 0.00005.
gnomAD v4.1: 139 of 1,610,576 alleles (0.0086%); highest among the groups gnomAD compares: Non-Finnish European, 0.011%; no homozygotes.

Submissions (6):

Labcorp Genetics (formerly Invitae), Labcorp
Classification: Uncertain significance. Last evaluated: 2025-09-27. Review status: criteria provided, single submitter. Criteria: Invitae Variant Classification Sherloc (09022015). Collection method: clinical testing. Allele origin: germline.
Comment: This sequence change replaces arginine, which is basic and polar, with leucine, which is neutral and non-polar, at codon 356 of the BEST1 protein (p.Arg356Leu). This variant is present in population databases (rs751707411, gnomAD 0.006%). This variant has not been reported in the literature in individuals affected with BEST1-related conditions. ClinVar contains an entry for this variant (Variation ID: 879188). Invitae Evidence Modeling of protein sequence and biophysical properties (such as structural, functional, and spatial information, amino acid conservation, physicochemical variation, residue mobility, and thermodynamic stability) indicates that this missense variant is expected to disrupt BEST1 protein function with a positive predictive value of 95%. In summary, the available evidence is currently insufficient to determine the role of this variant in disease. Therefore, it has been classified as a Variant of Uncertain Significance.

Blueprint Genetics
Classification: Uncertain significance. Last evaluated: 2023-11-07. Review status: criteria provided, single submitter. Criteria: ACMG Guidelines, 2015. Collection method: clinical testing. Allele origin: germline.

Department of Pathology and Laboratory Medicine, Sinai Health System
Classification: Uncertain significance for BEST1-related dominant retinopathy. Last evaluated: 2021-07-30. Review status: criteria provided, single submitter. Criteria: ACMG Guidelines, 2015. Collection method: research. Allele origin: germline.

Illumina Laboratory Services, Illumina
Classification: Uncertain significance for Autosomal dominant vitreoretinochoroidopathy. Last evaluated: 2017-04-28. Review status: criteria provided, single submitter. Criteria: ICSL Variant Classification Criteria 13 December 2019. Collection method: clinical testing. Allele origin: germline.

Illumina Laboratory Services, Illumina
Classification: Uncertain significance for Retinitis pigmentosa. Last evaluated: 2017-04-28. Review status: criteria provided, single submitter. Criteria: ICSL Variant Classification Criteria 13 December 2019. Collection method: clinical testing. Allele origin: germline.

Illumina Laboratory Services, Illumina
Classification: Uncertain significance for Vitelliform macular dystrophy 2. Last evaluated: 2017-04-28. Review status: criteria provided, single submitter. Criteria: ICSL Variant Classification Criteria 13 December 2019. Collection method: clinical testing. Allele origin: germline.